The following is an entry in ClinVar:

ClinVar aggregate classification (germline): Likely benign (0 of 4 stars; one submission).

Conditions:
CCAR2-related disorder. Also called: CCAR2-related condition.

Allele frequency attached by ClinVar (database versions not stated): gnomAD exomes 0.00001; gnomAD 0.00002.
gnomAD v4.1: 8 of 1,613,574 alleles (0.0005%); highest among the groups gnomAD compares: Admixed American, 0.0083%; no homozygotes.

Submission:

PreventionGenetics, part of Exact Sciences
Classification: Likely benign for CCAR2-related condition. Last evaluated: 2019-02-18. Review status: no assertion criteria provided. Collection method: clinical testing. Allele origin: germline.
Comment: This variant is classified as likely benign based on ACMG/AMP sequence variant interpretation guidelines (Richards et al. 2015 PMID: 25741868, with internal and published modifications).

NM_001393997.1(CCAR2):c.1116C>T (p.Asp372=)

Gene: CCAR2 (cell cycle and apoptosis regulator 2; plus strand). Cytogenetic location: 8p21.3.
Variant type: single nucleotide variant.
Coding change: c.1116C>T on transcript NM_001393997.1 (MANE Select); coding-DNA position 1116, C replaced by T.
Protein change: p.Asp372=; no amino-acid change (aspartic acid 372 retained).
Molecular consequence: synonymous variant.
Genome position (GRCh38, 1-based): chr8:22,614,912, C>T. VCF-style: chr8-22614912-C-T. GRCh37 (hg19) VCF-style: chr8-22472425-C-T.
Other names: c.1116C>T, p.Asp372= (NM_001363068.2, NM_001363069.2, NM_021174.6).
Identifiers: ClinVar variation 3058620 (VCV003058620.2), dbSNP rs1246249006, ClinGen allele CA459932266.